The following is an entry in ClinVar:

NM_018897.3(DNAH7):c.7706C>T (p.Thr2569Ile)

Gene: DNAH7 (dynein axonemal heavy chain 7; minus strand). Cytogenetic location: 2q32.3.
Variant type: single nucleotide variant.
Coding change: c.7706C>T on transcript NM_018897.3 (MANE Select); coding-DNA position 7706, C replaced by T.
Protein change: p.Thr2569Ile; replaces threonine 2569 with isoleucine.
Molecular consequence: missense variant.
Genome position (GRCh38, 1-based): chr2:195,861,747, G>A on the plus strand (C>T on the coding strand, the complement: DNAH7 is on the minus strand). VCF-style: chr2-195861747-G-A. GRCh37 (hg19) VCF-style: chr2-196726471-G-A.
Other names: short protein forms T2569I.
Identifiers: ClinVar variation 3059168 (VCV003059168.2), dbSNP rs2293066, ClinGen allele CA2034812.

ClinVar aggregate classification (germline): Benign (0 of 4 stars; one submission).

Conditions:
DNAH7-related disorder. Also called: DNAH7-related condition.

Allele frequency attached by ClinVar (database versions not stated): ESP Exome Variant Server 0.00017; gnomAD exomes 0.00095; gnomAD 0.00156; TOPMed 0.00162; ExAC 0.00304; 1000 Genomes Project 0.00839; 1000 Genomes Project 30x 0.00843.
gnomAD v4.1: 1,695 of 1,612,716 alleles (0.11%); highest among the groups gnomAD compares: East Asian, 2.8%; 31 homozygotes.

Submission:

PreventionGenetics, part of Exact Sciences
Classification: Benign for DNAH7-related condition. Last evaluated: 2019-07-30. Review status: no assertion criteria provided. Collection method: clinical testing. Allele origin: germline.
Comment: This variant is classified as benign based on ACMG/AMP sequence variant interpretation guidelines (Richards et al. 2015 PMID: 25741868, with internal and published modifications).